The following is an entry in ClinVar:

ClinVar aggregate classification (germline): Pathogenic (1 of 4 stars; one submission).

Submission:

Ambry Genetics
Classification: Pathogenic. Last evaluated: 2025-11-20. Review status: criteria provided, single submitter. Criteria: Ambry Variant Classification Scheme 2023. Collection method: clinical testing. Allele origin: germline.
Comment: The c.1604T>A (p.L535*) alteration, located in exon 2 (coding exon 1) of the ZFHX3 gene, consists of a T to A substitution at nucleotide position 1604. This changes the amino acid from a leucine (L) to a stop codon at amino acid position 535. This alteration is expected to result in loss of function by premature protein truncation or nonsense-mediated mRNA decay. This variant was not reported in population-based cohorts in the Genome Aggregation Database (gnomAD). Based on the available evidence, this alteration is classified as pathogenic.

NM_006885.4(ZFHX3):c.1604T>A (p.Leu535Ter)

Gene: ZFHX3 (zinc finger homeobox 3; minus strand). Cytogenetic location: 16q22.3.
Variant type: single nucleotide variant.
Coding change: c.1604T>A on transcript NM_006885.4 (MANE Select); coding-DNA position 1604, T replaced by A.
Protein change: p.Leu535Ter; replaces leucine 535 with a stop codon.
Molecular consequence: nonsense. On other transcripts: intron variant (1).
Genome position (GRCh38, 1-based): chr16:72,958,542, A>T on the plus strand (T>A on the coding strand, the complement: ZFHX3 is on the minus strand). VCF-style: chr16-72958542-A-T. GRCh37 (hg19) VCF-style: chr16-72992441-A-T.
Other names: c.-23-7577T>A (NM_001164766.2); c.1604T>A, p.Leu535Ter (NM_001386735.1); short protein forms L535*.
Identifiers: ClinVar variation 4607420 (VCV004607420.1).